The following is an entry in ClinVar:

NM_030948.6(PHACTR1):c.1606C>G (p.Arg536Gly)

Genes: PHACTR1 (phosphatase and actin regulator 1; plus strand), TBC1D7-LOC100130357 (TBC1D7-LOC100130357 readthrough; minus strand), LOC100130357 (uncharacterized LOC100130357; minus strand). Cytogenetic location: 6p24.1.
Variant type: single nucleotide variant.
Coding change: c.1606C>G on transcript NM_030948.6 (MANE Select); coding-DNA position 1606, C replaced by G.
Protein change: p.Arg536Gly; replaces arginine 536 with glycine.
Molecular consequence: missense variant. On other transcripts: intron variant (1).
Genome position (GRCh38, 1-based): chr6:13,283,518, C>G. VCF-style: chr6-13283518-C-G. GRCh37 (hg19) VCF-style: chr6-13283750-C-G.
Other names: c.1606C>G, p.Arg536Gly (NM_001242648.4, NM_001322308.3, NM_001322309.3 and 1 more transcripts); c.1813C>G, p.Arg605Gly (NM_001322310.2); c.1330C>G, p.Arg444Gly (NM_001322311.2, NM_001322312.3, NM_001374583.2); c.1537C>G, p.Arg513Gly (NM_001322313.2); c.1816C>G, p.Arg606Gly (NM_001322314.4); c.*40-15683G>C (NM_001318809.2); short protein forms R444G, R513G, R536G, R605G, R606G.
Identifiers: ClinVar variation 4540308 (VCV004540308.1).

ClinVar aggregate classification (germline): Uncertain significance (1 of 4 stars; one submission).

Submission:

GeneDx
Classification: Uncertain significance. Last evaluated: 2025-06-26. Review status: criteria provided, single submitter. Criteria: GeneDx Variant Classification Process June 2021. Collection method: clinical testing. Allele origin: germline. Affected: yes.
Comment: Not observed at significant frequency in large population cohorts (gnomAD); In silico analysis supports that this missense variant has a deleterious effect on protein structure/function; Has not been previously published as pathogenic or benign to our knowledge